The following is an entry in ClinVar:

NM_020376.4(PNPLA2):c.863C>G (p.Ser288Trp)

Gene: PNPLA2 (patatin like domain 2, triacylglycerol lipase; plus strand). Cytogenetic location: 11p15.5.
Variant type: single nucleotide variant.
Coding change: c.863C>G on transcript NM_020376.4 (MANE Select); coding-DNA position 863, C replaced by G.
Protein change: p.Ser288Trp; replaces serine 288 with tryptophan.
Molecular consequence: missense variant.
Genome position (GRCh38, 1-based): chr11:823,799, C>G. VCF-style: chr11-823799-C-G. GRCh37 (hg19) VCF-style: chr11-823799-C-G.
Other names: p.Ser288Trp; short protein forms S288W.
Identifiers: ClinVar variation 465800 (VCV000465800.18), dbSNP rs200088893, ClinGen allele CA5791203.
Genomic context (GRCh38, chr11:823,799, plus strand): 5'-GCCCCCACGGCCCAGAGGACAAGGACCAGGCAGTGGAGAGCGCCCAAGCGGAGGATTACT[C>G]GCAGCTGCCCGGAGAAGATCACATCCTGGAGCACCTGCCCGCCCGGCTCAATGAGGGTGC-3'
Protein context (NP_065109.1, residues 278-298): AVESAQAEDY[Ser288Trp]QLPGEDHILE

ClinVar aggregate classification (germline): Benign/Likely benign. Review status: criteria provided, multiple submitters, no conflicts (2 of 4 stars). 4 submissions from 4 submitters: Benign (2); Likely benign (2). Last evaluated 2026-05-01.

Conditions:
Neutral lipid storage myopathy (NLSDM). Also called: NEUTRAL LIPID STORAGE DISEASE WITHOUT ICHTHYOSIS. Identifiers: Orphanet 98908, MedGen C1853136, MONDO:0012545, OMIM 610717.

Allele frequency attached by ClinVar (database versions not stated): ESP Exome Variant Server 0.00008; gnomAD 0.00039 and 0.00049; TOPMed 0.00066; gnomAD exomes 0.00137; ExAC 0.00182; 1000 Genomes Project 30x 0.00234; 1000 Genomes Project 0.00240.

Submissions (4):

CeGaT Center for Human Genetics Tuebingen
Classification: Likely benign. Last evaluated: 2026-05-01. Review status: criteria provided, single submitter. Criteria: CeGaT Center For Human Genetics Tuebingen Variant Classification Criteria Version 2. Collection method: clinical testing. Allele origin: germline. Affected: yes. Observed: 1 variant allele.
Comment: PNPLA2: BP4, BS1

Labcorp Genetics (formerly Invitae), Labcorp
Classification: Benign for Neutral lipid storage myopathy. Last evaluated: 2026-01-26. Review status: criteria provided, single submitter. Criteria: Invitae Variant Classification Sherloc (09022015). Collection method: clinical testing. Allele origin: germline.

Mayo Clinic Laboratories, Mayo Clinic
Classification: Likely benign. Last evaluated: 2025-08-13. Review status: criteria provided, single submitter. Criteria: ACMG Guidelines, 2015. Collection method: clinical testing. Allele origin: germline. Observed: 1 variant allele.
Comment: BA1

Illumina Laboratory Services, Illumina
Classification: Benign for Neutral lipid storage myopathy. Last evaluated: 2017-04-27. Review status: criteria provided, single submitter. Criteria: ICSL Variant Classification Criteria 13 December 2019. Collection method: clinical testing. Allele origin: germline.
Comment: This variant was observed as part of a predisposition screen in an ostensibly healthy population. A literature search was performed for the gene, cDNA change, and amino acid change (where applicable). Publications were found based on this search. The evidence from the literature, in combination with allele frequency data from public databases where available, was sufficient to rule this variant out of causing disease. Therefore, this variant is classified as benign.

Literature cited by the submitters: PubMed 20370797 (cited by Mayo Clinic Laboratories, Mayo Clinic and Illumina Laboratory Services, Illumina).